The following is an entry in ClinVar:

NM_178857.6(RP1L1):c.2028C>G (p.Ser676Arg)

Gene: RP1L1 (RP1 like 1). Cytogenetic location: 8p23.1.
Variant type: single nucleotide variant.
Coding change: c.2028C>G on transcript NM_178857.6 (MANE Select); coding-DNA position 2028, C replaced by G.
Protein change: p.Ser676Arg; replaces serine 676 with arginine.
Molecular consequence: missense variant.
Genome position (GRCh38, 1-based): chr8:10,612,070, G>C on the plus strand (C>G on the coding strand, the complement: RP1L1 is on the minus strand). VCF-style: chr8-10612070-G-C. GRCh37 (hg19) VCF-style: chr8-10469580-G-C.
Other names: short protein forms S676R.
Identifiers: ClinVar variation 361362 (VCV000361362.6), dbSNP rs200474804, ClinGen allele CA4624966.
Genomic context (GRCh38, chr8:10,612,070, plus strand): 5'-GCAGGCCCTTCGCCGCTCAGGAGGCCTCGGCACTTGCTTGGTTACAGAGGAGTCCAGTGG[G>C]CTGTGGGTGTCCTTGCGGTAGTGAGAATGCCTGGGATGGCCTCTCGGGGCCACTCGGCCA-3'
Protein context (NP_849188.4, residues 666-686): RHSHYRKDTH[Ser676Arg]PLDSSVTKQV

ClinVar aggregate classification (germline): Conflicting classifications of pathogenicity. Review status: criteria provided, conflicting classifications (1 of 4 stars). 2 submissions from 2 submitters: Uncertain significance (1); Likely benign (1). Last evaluated 2022-11-21.

Conditions:
Occult macular dystrophy (OCMD). Also called: OMD; OCCULT MACULAR DYSTROPHY, SUSCEPTIBILITY TO. Identifiers: Orphanet 247834, MedGen C3150833, MONDO:0013316, OMIM 613587, HP:0030636.

Allele frequency attached by ClinVar (database versions not stated): gnomAD 0.00016 and 0.00015; 1000 Genomes Project 0.00020; 1000 Genomes Project 30x 0.00031; TOPMed 0.00045; gnomAD exomes 0.00002; ExAC 0.00003; ESP Exome Variant Server 0.00016.
gnomAD v4.1: 56 of 1,613,876 alleles (0.0035%); highest among the groups gnomAD compares: Admixed American, 0.045%; no homozygotes.

Submissions (2):

Blueprint Genetics
Classification: Uncertain significance. Last evaluated: 2022-11-21. Review status: criteria provided, single submitter. Criteria: ACMG Guidelines, 2015. Collection method: clinical testing. Allele origin: germline.

Illumina Laboratory Services, Illumina
Classification: Likely benign for Occult macular dystrophy. Last evaluated: 2018-01-13. Review status: criteria provided, single submitter. Criteria: ICSL Variant Classification Criteria 13 December 2019. Collection method: clinical testing. Allele origin: germline.
Comment: This variant was observed in the ICSL laboratory as part of a predisposition screen in an ostensibly healthy population. It had not been previously curated by ICSL or reported in the Human Gene Mutation Database (HGMD: prior to June 1st, 2018), and was therefore a candidate for classification through an automated scoring system. Utilizing variant allele frequency, disease prevalence and penetrance estimates, and inheritance mode, an automated score was calculated to assess if this variant is too frequent to cause the disease. Based on the score and internal cut-off values, a variant classified as likely benign is not then subjected to further curation. The score for this variant resulted in a classification of likely benign for this disease.